The following is an entry in ClinVar:

NM_031220.4(PITPNM3):c.915G>A (p.Ala305=)

Gene: PITPNM3 (PITPNM family member 3; minus strand). Cytogenetic location: 17p13.2.
Variant type: single nucleotide variant.
Coding change: c.915G>A on transcript NM_031220.4 (MANE Select); coding-DNA position 915, G replaced by A.
Protein change: p.Ala305=; no amino-acid change (alanine 305 retained).
Molecular consequence: synonymous variant.
Genome position (GRCh38, 1-based): chr17:6,477,199, C>T on the plus strand (G>A on the coding strand, the complement: PITPNM3 is on the minus strand). VCF-style: chr17-6477199-C-T. GRCh37 (hg19) VCF-style: chr17-6380519-C-T.
Other names: c.807G>A, p.Ala269= (NM_001165966.2).
Identifiers: ClinVar variation 324756 (VCV000324756.14), dbSNP rs373564103, ClinGen allele CA8329667.

ClinVar aggregate classification (germline): Benign/Likely benign. Review status: criteria provided, multiple submitters, no conflicts (2 of 4 stars). 3 submissions from 3 submitters: Benign (1); Likely benign (2). Last evaluated 2025-07-02.

Conditions:
Cone-rod dystrophy 5 (CORD5). Identifiers: Orphanet 1872, MedGen C1832976, MONDO:0010969, OMIM 600977.

Allele frequency attached by ClinVar (database versions not stated): gnomAD 0.00004 and 0.00005; TOPMed 0.00008; ExAC 0.00010; gnomAD exomes 0.00011; ESP Exome Variant Server 0.00023.
gnomAD v4.1: 123 of 1,613,950 alleles (0.0076%); highest among the groups gnomAD compares: East Asian, 0.016%; no homozygotes.

Submissions (3):

Labcorp Genetics (formerly Invitae), Labcorp
Classification: Benign. Last evaluated: 2025-07-02. Review status: criteria provided, single submitter. Criteria: Invitae Variant Classification Sherloc (09022015). Collection method: clinical testing. Allele origin: germline.

Blueprint Genetics
Classification: Likely benign. Last evaluated: 2024-04-15. Review status: criteria provided, single submitter. Criteria: ACMG Guidelines, 2015. Collection method: clinical testing. Allele origin: germline.

Illumina Laboratory Services, Illumina
Classification: Likely benign for Cone-rod dystrophy 5. Last evaluated: 2018-01-13. Review status: criteria provided, single submitter. Criteria: ICSL Variant Classification Criteria 13 December 2019. Collection method: clinical testing. Allele origin: germline.
Comment: This variant was observed in the ICSL laboratory as part of a predisposition screen in an ostensibly healthy population. It had not been previously curated by ICSL or reported in the Human Gene Mutation Database (HGMD: prior to June 1st, 2018), and was therefore a candidate for classification through an automated scoring system. Utilizing variant allele frequency, disease prevalence and penetrance estimates, and inheritance mode, an automated score was calculated to assess if this variant is too frequent to cause the disease. Based on the score and internal cut-off values, a variant classified as likely benign is not then subjected to further curation. The score for this variant resulted in a classification of likely benign for this disease.